The following is an entry in ClinVar:

NM_005012.4(ROR1):c.125C>G (p.Pro42Arg)

Gene: ROR1 (receptor tyrosine kinase like orphan receptor 1; plus strand). Cytogenetic location: 1p31.3.
Variant type: single nucleotide variant.
Coding change: c.125C>G on transcript NM_005012.4 (MANE Select); coding-DNA position 125, C replaced by G.
Protein change: p.Pro42Arg; replaces proline 42 with arginine.
Molecular consequence: missense variant.
Genome position (GRCh38, 1-based): chr1:64,009,338, C>G. VCF-style: chr1-64009338-C-G. GRCh37 (hg19) VCF-style: chr1-64475010-C-G.
Other names: c.125C>G (NM_005012.2); c.125C>G, p.Pro42Arg (NM_001083592.2); short protein forms P42R.
Identifiers: ClinVar variation 1471609 (VCV001471609.9), dbSNP rs371472715, ClinGen allele CA340711740.

ClinVar aggregate classification (germline): Uncertain significance. Review status: criteria provided, multiple submitters, no conflicts (2 of 4 stars). 2 submissions from 2 submitters: Uncertain significance (2). Last evaluated 2025-09-01.

gnomAD v4.1: 10 of 1,613,662 alleles (0.00062%); highest among the groups gnomAD compares: Middle Eastern, 0.016%; no homozygotes.

Submissions (2):

Ambry Genetics
Classification: Uncertain significance. Last evaluated: 2025-09-01. Review status: criteria provided, single submitter. Criteria: Ambry Variant Classification Scheme 2023. Collection method: clinical testing. Allele origin: germline.

Labcorp Genetics (formerly Invitae), Labcorp
Classification: Uncertain significance. Last evaluated: 2021-02-18. Review status: criteria provided, single submitter. Criteria: Invitae Variant Classification Sherloc (09022015). Collection method: clinical testing. Allele origin: germline.
Comment: In summary, the available evidence is currently insufficient to determine the role of this variant in disease. Therefore, it has been classified as a Variant of Uncertain Significance. Algorithms developed to predict the effect of missense changes on protein structure and function (SIFT, PolyPhen-2, Align-GVGD) all suggest that this variant is likely to be tolerated, but these predictions have not been confirmed by published functional studies and their clinical significance is uncertain. This variant has not been reported in the literature in individuals with ROR1-related conditions. This variant is not present in population databases (ExAC no frequency). This sequence change replaces proline with arginine at codon 42 of the ROR1 protein (p.Pro42Arg). The proline residue is weakly conserved and there is a moderate physicochemical difference between proline and arginine.